The following is an entry in ClinVar:

ClinVar aggregate classification (germline): Benign (0 of 4 stars; one submission).

Conditions:
ADAM10-related disorder. Also called: ADAM10-related condition.

Allele frequency attached by ClinVar (database versions not stated): gnomAD exomes 0.00020; ESP Exome Variant Server 0.00023; gnomAD 0.00035; ExAC 0.00039; TOPMed 0.00050.
gnomAD v4.1: 373 of 1,612,122 alleles (0.023%); highest among the groups gnomAD compares: African/African-American, 0.085%; no homozygotes.

Submission:

PreventionGenetics, part of Exact Sciences
Classification: Benign for ADAM10-related condition. Last evaluated: 2019-10-28. Review status: no assertion criteria provided. Collection method: clinical testing. Allele origin: germline.
Comment: This variant is classified as benign based on ACMG/AMP sequence variant interpretation guidelines (Richards et al. 2015 PMID: 25741868, with internal and published modifications).

NM_001110.4(ADAM10):c.2043A>G (p.Val681=)

Gene: ADAM10 (ADAM metallopeptidase domain 10; minus strand). Cytogenetic location: 15q21.3.
Variant type: single nucleotide variant.
Coding change: c.2043A>G on transcript NM_001110.4 (MANE Select); coding-DNA position 2043, A replaced by G.
Protein change: p.Val681=; no amino-acid change (valine 681 retained).
Molecular consequence: synonymous variant.
Genome position (GRCh38, 1-based): chr15:58,599,707, T>C on the plus strand (A>G on the coding strand, the complement: ADAM10 is on the minus strand). VCF-style: chr15-58599707-T-C. GRCh37 (hg19) VCF-style: chr15-58891906-T-C.
Other names: c.1950A>G, p.Val650= (NM_001320570.2).
Identifiers: ClinVar variation 3045168 (VCV003045168.2), dbSNP rs144826830, ClinGen allele CA7585346.